The following is an entry in ClinVar:

NC_012920.1(MT-ATP6):m.9104T>C

Gene: MT-ATP6 (mitochondrially encoded ATP synthase 6; plus strand).
Variant type: single nucleotide variant.
Genome position: chrM-9104-T-C.
Identifiers: ClinVar variation 693094 (VCV000693094.1), dbSNP rs1603222079, ClinGen allele CA414802220.

ClinVar aggregate classification (germline): Uncertain significance (1 of 4 stars; one submission).

Conditions:
Leigh syndrome (NULS). Also called: Leigh's necrotizing encephalopathy; Leigh's disease; Leigh Syndrome (mtDNA deletion); Leigh Disease; Subacute necrotizing encephalopathy; Necrotizing encephalopathy infantile subacute of Leigh. Identifiers: Orphanet 506, MedGen C2931891, MONDO:0009723, OMIM 256000.

Submission:

Wong Mito Lab, Molecular and Human Genetics, Baylor College of Medicine
Classification: Uncertain significance for Leigh syndrome. Last evaluated: 2019-10-17. Review status: criteria provided, single submitter. Criteria: Modified ACMG Guidelines (Unpublished). Collection method: clinical testing. Allele origin: germline.
Comment: The NC_012920.1:m.9104T>C (YP_003024031.1:p.Phe193Ser) variant in MTATP6 gene is interpretated to be a Uncertain Significance variant based on the modified ACMG guidelines (unpublished). This variant meets the following evidence codes: PP4